The following is an entry in ClinVar:

NM_004366.6(CLCN2):c.2403_2410del (p.Ser802fs)

Gene: CLCN2 (chloride voltage-gated channel 2; minus strand). Cytogenetic location: 3q27.1.
Variant type: Deletion.
Coding change: c.2403_2410del on transcript NM_004366.6 (MANE Select); coding-DNA positions 2403 to 2410, 8 bases deleted (CTCTTTGC; older notation c.2403_2410delCTCTTTGC).
Protein change: p.Ser802fs; shifts the reading frame from serine 802.
Molecular consequence: frameshift variant.
Genome position (GRCh38, 1-based): chr3:184,352,018-184,352,025, GCAAAGAG deleted on the plus strand (CTCTTTGC on the coding strand, the reverse complement: CLCN2 is on the minus strand); deleting any 8 consecutive bases within chr3:184,352,018-184,352,026 gives the same sequence; the c. name uses the placement nearest the transcript's 3' end. VCF-style (leftmost placement, unchanged base first): chr3-184352017-TGCAAAGAG-T. GRCh37 (hg19) VCF-style: chr3-184069805-TGCAAAGAG-T.
Other names: c.2352_2359del, p.Ser785fs (NM_001171087.3); c.2271_2278del, p.Ser758fs (NM_001171088.3); c.2403_2410del, p.Ser802fs (NM_001171089.3); short protein forms S785fs, S802fs, S758fs.
Identifiers: ClinVar variation 1410461 (VCV001410461.6), dbSNP rs2108561177, ClinGen allele CA2573136813.

ClinVar aggregate classification (germline): Uncertain significance (1 of 4 stars; one submission).

Submission:

Labcorp Genetics (formerly Invitae), Labcorp
Classification: Uncertain significance. Last evaluated: 2022-03-08. Review status: criteria provided, single submitter. Criteria: Invitae Variant Classification Sherloc (09022015). Collection method: clinical testing. Allele origin: germline.
Comment: In summary, the available evidence is currently insufficient to determine the role of this variant in disease. Therefore, it has been classified as a Variant of Uncertain Significance. This variant is not present in population databases (gnomAD no frequency). Experimental studies and prediction algorithms are not available or were not evaluated, and the functional significance of this variant is currently unknown. This variant has not been reported in the literature in individuals affected with CLCN2-related conditions. This sequence change creates a premature translational stop signal (p.Ser802Glnfs*62) in the CLCN2 gene. While this is not anticipated to result in nonsense mediated decay, it is expected to disrupt the last 97 amino acid(s) of the CLCN2 protein.